The following is an entry in ClinVar:

NM_000124.4(ERCC6):c.1705A>G (p.Thr569Ala)

Gene: ERCC6 (ERCC excision repair 6, chromatin remodeling factor; minus strand). Cytogenetic location: 10q11.23.
Variant type: single nucleotide variant.
Coding change: c.1705A>G on transcript NM_000124.4 (MANE Select); coding-DNA position 1705, A replaced by G.
Protein change: p.Thr569Ala; replaces threonine 569 with alanine.
Molecular consequence: missense variant.
Genome position (GRCh38, 1-based): chr10:49,493,233, T>C on the plus strand (A>G on the coding strand, the complement: ERCC6 is on the minus strand). VCF-style: chr10-49493233-T-C. GRCh37 (hg19) VCF-style: chr10-50701279-T-C.
Other names: c.1705A>G, p.Thr569Ala (NM_001346440.2); short protein forms T569A.
Identifiers: ClinVar variation 2060388 (VCV002060388.2), dbSNP rs751786870, ClinGen allele CA5495885.

ClinVar aggregate classification (germline): Uncertain significance. Review status: criteria provided, multiple submitters, no conflicts (2 of 4 stars). 2 submissions from 2 submitters: Uncertain significance (2). Last evaluated 2024-10-24.

Conditions:
Inborn genetic diseases. Identifiers: MedGen C0950123, MeSH D030342.

Allele frequency attached by ClinVar (database versions not stated): TOPMed 0.00001; ExAC 0.00002.
gnomAD v4.1: 38 of 1,614,140 alleles (0.0024%); highest among the groups gnomAD compares: East Asian, 0.0045%; no homozygotes.

Submissions (2):

Ambry Genetics
Classification: Uncertain significance for Inborn genetic diseases. Last evaluated: 2024-10-24. Review status: criteria provided, single submitter. Criteria: Ambry Variant Classification Scheme 2023. Collection method: clinical testing. Allele origin: germline.

Labcorp Genetics (formerly Invitae), Labcorp
Classification: Uncertain significance. Last evaluated: 2022-05-03. Review status: criteria provided, single submitter. Criteria: Invitae Variant Classification Sherloc (09022015). Collection method: clinical testing. Allele origin: germline.
Comment: This sequence change replaces threonine, which is neutral and polar, with alanine, which is neutral and non-polar, at codon 569 of the ERCC6 protein (p.Thr569Ala). This variant is present in population databases (rs751786870, gnomAD 0.01%). This variant has not been reported in the literature in individuals affected with ERCC6-related conditions. Algorithms developed to predict the effect of missense changes on protein structure and function output the following: SIFT: "Deleterious"; PolyPhen-2: "Benign"; Align-GVGD: "Class C55". The alanine amino acid residue is found in multiple mammalian species, which suggests that this missense change does not adversely affect protein function. Algorithms developed to predict the effect of sequence changes on RNA splicing suggest that this variant may disrupt the consensus splice site. In summary, the available evidence is currently insufficient to determine the role of this variant in disease. Therefore, it has been classified as a Variant of Uncertain Significance.